The following is an entry in ClinVar:

NM_001290043.2(TAP2):c.1720G>A (p.Asp574Asn)

Gene: TAP2 (transporter 2, ATP binding cassette subfamily B member; minus strand). Cytogenetic location: 6p21.32.
Variant type: single nucleotide variant.
Coding change: c.1720G>A on transcript NM_001290043.2 (MANE Select); coding-DNA position 1720, G replaced by A.
Protein change: p.Asp574Asn; replaces aspartic acid 574 with asparagine.
Molecular consequence: missense variant.
Genome position (GRCh38, 1-based): chr6:32,830,005, C>T on the plus strand (G>A on the coding strand, the complement: TAP2 is on the minus strand). VCF-style: chr6-32830005-C-T. GRCh37 (hg19) VCF-style: chr6-32797782-C-T.
Other names: c.1720G>A, p.Asp574Asn (NM_000544.3, NM_018833.3); short protein forms D574N.
Identifiers: ClinVar variation 661661 (VCV000661661.8), dbSNP rs1437226579, ClinGen allele CA363579609.
Genomic context (GRCh38, chr6:32,830,005, plus strand): 5'-GCTCCATTTCCTGGATGAAGTCATCTGCGTGGGCAGCCTGGGCAGCCGCCATCACCTTAT[C>T]ATCTTCGCAGCTCTGCAGCCCATAAGCAATGTTGTTCCTCACAGAACCGGAGAACAGCAC-3'
Protein context (NP_001276972.1, residues 564-584): IAYGLQSCED[Asp574Asn]KVMAAAQAAH

ClinVar aggregate classification (germline): Uncertain significance (1 of 4 stars; one submission).

Conditions:
MHC class I deficiency. Identifiers: Orphanet 34592, MedGen C6024714, MONDO:0011476.

Allele frequency attached by ClinVar (database versions not stated): gnomAD exomes below 0.00001.

Submission:

Labcorp Genetics (formerly Invitae), Labcorp
Classification: Uncertain significance for MHC class I deficiency 1. Last evaluated: 2018-09-24. Review status: criteria provided, single submitter. Criteria: Invitae Variant Classification Sherloc (09022015). Collection method: clinical testing. Allele origin: germline.
Comment: This variant is not present in population databases (ExAC no frequency). This variant has not been reported in the literature in individuals with TAP2-related disease. Algorithms developed to predict the effect of missense changes on protein structure and function are either unavailable or do not agree on the potential impact of this missense change (SIFT: "Tolerated"; PolyPhen-2: "Not available"; Align-GVGD: "Class C0"). In summary, the available evidence is currently insufficient to determine the role of this variant in disease. Therefore, it has been classified as a Variant of Uncertain Significance. This sequence change replaces aspartic acid with asparagine at codon 574 of the TAP2 protein (p.Asp574Asn). The aspartic acid residue is weakly conserved and there is a small physicochemical difference between aspartic acid and asparagine.